The following is an entry in ClinVar:

ClinVar aggregate classification (germline): Benign/Likely benign. Review status: criteria provided, multiple submitters, no conflicts (2 of 4 stars). 9 submissions from 9 submitters: Benign (4); Likely benign (2). 3 of the submissions do not count toward it. Last evaluated 2026-06-01.

Conditions:
Inborn genetic diseases. Identifiers: MedGen C0950123, MeSH D030342.
Brown-Vialetto-van Laere syndrome 2. Also called: Riboflavin transporter deficiency type 2; SPINOCEREBELLAR ATAXIA WITH BLINDNESS AND DEAFNESS 2. Identifiers: Orphanet 572543, Orphanet 97229, MedGen C3553538, MONDO:0013867, OMIM 614707.

Allele frequency attached by ClinVar (database versions not stated): 1000 Genomes Project 0.00359; 1000 Genomes Project 30x 0.00359; ESP Exome Variant Server 0.00238; gnomAD exomes 0.00560 and 0.00579; gnomAD 0.00582 and 0.00593; ExAC 0.00632; TOPMed 0.00314.
gnomAD v4.1: 8,987 of 1,604,502 alleles (0.56%); highest among the groups gnomAD compares: Non-Finnish European, 0.56%; 67 homozygotes.

Submissions (9):

CeGaT Center for Human Genetics Tuebingen
Classification: Likely benign. Last evaluated: 2026-06-01. Review status: criteria provided, single submitter. Criteria: CeGaT Center For Human Genetics Tuebingen Variant Classification Criteria Version 2. Collection method: clinical testing. Allele origin: germline. Affected: yes. Observed: 10 variant alleles.
Comment: SLC52A2: BS2

Labcorp Genetics (formerly Invitae), Labcorp
Classification: Benign for Brown-Vialetto-van Laere syndrome 2. Last evaluated: 2026-01-26. Review status: criteria provided, single submitter. Criteria: Invitae Variant Classification Sherloc (09022015). Collection method: clinical testing. Allele origin: germline.

Ambry Genetics
Classification: Likely benign for Inborn genetic diseases. Last evaluated: 2019-07-11. Review status: criteria provided, single submitter. Criteria: Ambry Variant Classification Scheme 2023. Collection method: clinical testing. Allele origin: germline.

Laboratory for Molecular Medicine, Mass General Brigham Personalized Medicine
Classification: Benign. Last evaluated: 2017-08-23. Review status: criteria provided, single submitter. Criteria: LMM Criteria. Collection method: clinical testing. Allele origin: germline. Observed: 4 variant alleles.
Comment: p.Pro363Pro in exon 4 of SLC52A2: This variant is not expected to have clinical significance because it does not alter an amino acid residue, is not located wit hin the splice consensus sequence, and has been identified in 3.40% (224/6584) o f Finnish chromosomes by the Exome Aggregation Consortium (ExAC; dbSNP rs146292053).

GeneDx
Classification: Benign. Last evaluated: 2016-05-19. Review status: criteria provided, single submitter. Criteria: GeneDx Variant Classification (06012015). Collection method: clinical testing. Allele origin: germline. Affected: yes.
Comment: This variant is considered likely benign or benign based on one or more of the following criteria: it is a conservative change, it occurs at a poorly conserved position in the protein, it is predicted to be benign by multiple in silico algorithms, and/or has population frequency not consistent with disease.

Breakthrough Genomics
Classification: Benign. Review status: criteria provided, single submitter. Criteria: ACMG Guidelines, 2015. Collection method: not provided. Allele origin: germline. Inheritance: Autosomal recessive inheritance. Affected: yes.

Mayo Clinic Laboratories, Mayo Clinic
Classification: Likely benign. Last evaluated: 2016-03-08. Review status: no assertion criteria provided. Collection method: clinical testing. Allele origin: unknown. Not counted in ClinVar's aggregate classification.

Clinical Genetics DNA and cytogenetics Diagnostics Lab, Erasmus MC, Erasmus Medical Center
Classification: Likely benign. Review status: no assertion criteria provided. Collection method: clinical testing. Allele origin: germline. Affected: yes. Study: VKGL Data-share Consensus. Not counted in ClinVar's aggregate classification.

Clinical Genetics, Academic Medical Center
Classification: Benign. Review status: no assertion criteria provided. Collection method: clinical testing. Allele origin: germline. Affected: yes. Study: VKGL Data-share Consensus. Not counted in ClinVar's aggregate classification.

NM_001363118.2(SLC52A2):c.1089G>A (p.Pro363=)

Gene: SLC52A2 (solute carrier family 52 member 2; plus strand). Cytogenetic location: 8q24.3.
Variant type: single nucleotide variant.
Coding change: c.1089G>A on transcript NM_001363118.2 (MANE Select); coding-DNA position 1089, G replaced by A.
Protein change: p.Pro363=; no amino-acid change (proline 363 retained).
Molecular consequence: synonymous variant. On other transcripts: non-coding transcript variant (1).
Genome position (GRCh38, 1-based): chr8:144,360,677, G>A. VCF-style: chr8-144360677-G-A. GRCh37 (hg19) VCF-style: chr8-145584337-G-A.
Other names: c.1089G>A, p.Pro363= (NM_001253815.2, NM_001253816.2, NM_001363120.2 and 2 more transcripts); c.597G>A, p.Pro199= (NM_001363122.2).
Identifiers: ClinVar variation 385698 (VCV000385698.50), dbSNP rs146292053, ClinGen allele CA4938371.
Genomic context (GRCh38, chr8:144,360,677, plus strand): 5'-TCTGCTGGGCGTGTTCTGTGGGGGCTACCTGATGGCGCTGGCAGTCCTGAGCCCCTGCCC[G>A]CCCCTGGTGGGCACCTCGGCGGGGGTGGTCCTCGTGGTGAGCACAGGGGGACATGAAGTG-3'
Protein context (NP_001350047.1, residues 353-373): LMALAVLSPC[Pro363=]PLVGTSAGVV